The following is an entry in ClinVar:

ClinVar aggregate classification (germline): Uncertain significance (1 of 4 stars; one submission).

Conditions:
Hereditary cancer-predisposing syndrome. Also called: Neoplastic Syndromes, Hereditary; Tumor predisposition; Hereditary Cancer Syndrome; Hereditary neoplastic syndrome. Identifiers: Orphanet 140162, MedGen C0027672, MeSH D009386, MONDO:0015356.

Submission:

Ambry Genetics
Classification: Uncertain significance for Hereditary cancer-predisposing syndrome. Last evaluated: 2024-09-01. Review status: criteria provided, single submitter. Criteria: Ambry Variant Classification Scheme 2023. Collection method: clinical testing. Allele origin: germline.
Comment: The p.A1474D variant (also known as c.4421C>A), located in coding exon 15 of the APC gene, results from a C to A substitution at nucleotide position 4421. The alanine at codon 1474 is replaced by aspartic acid, an amino acid with dissimilar properties. This amino acid position is conserved. In addition, in silico predictors for this gene do not accurately predict pathogenicity. Based on the available evidence, the clinical significance of this variant remains unclear.

NM_000038.6(APC):c.4421C>A (p.Ala1474Asp)

Gene: APC (APC regulator of Wnt signaling pathway; plus strand). Cytogenetic location: 5q22.2.
Variant type: single nucleotide variant.
Coding change: c.4421C>A on transcript NM_000038.6 (MANE Select); coding-DNA position 4421, C replaced by A.
Protein change: p.Ala1474Asp; replaces alanine 1474 with aspartic acid.
Molecular consequence: missense variant. On other transcripts: non-coding transcript variant (2).
Genome position (GRCh38, 1-based): chr5:112,840,015, C>A. VCF-style: chr5-112840015-C-A. GRCh37 (hg19) VCF-style: chr5-112175712-C-A.
Other names: c.4421C>A, p.Ala1474Asp (NM_001127510.3, NM_001354895.2, NM_001407450.1); c.4367C>A, p.Ala1456Asp (NM_001127511.3); c.4475C>A, p.Ala1492Asp (NM_001354896.2, NM_001407447.1, NM_001407448.1 and 1 more transcripts); c.4451C>A, p.Ala1484Asp (NM_001354897.2); c.4346C>A, p.Ala1449Asp (NM_001354898.2); c.4337C>A, p.Ala1446Asp (NM_001354899.2); c.4298C>A, p.Ala1433Asp (NM_001354900.2); c.4244C>A, p.Ala1415Asp (NM_001354901.2, NM_001407453.1); and 11 more; short protein forms A1090D, A1348D, A1373D, A1415D, A1449D, A1456D, A1492D, A1502D.
Identifiers: ClinVar variation 3410720 (VCV003410720.1).